The following is an entry in ClinVar:

ClinVar aggregate classification (germline): Uncertain significance (1 of 4 stars; one submission).

Allele frequency attached by ClinVar (database versions not stated): ExAC 0.00001; gnomAD 0.00001; gnomAD exomes 0.00001; ESP Exome Variant Server 0.00008.
gnomAD v4.1: 18 of 1,609,854 alleles (0.0011%); highest among the groups gnomAD compares: Non-Finnish European, 0.0014%; no homozygotes.

Submission:

Labcorp Genetics (formerly Invitae), Labcorp
Classification: Uncertain significance. Last evaluated: 2022-11-15. Review status: criteria provided, single submitter. Criteria: Invitae Variant Classification Sherloc (09022015). Collection method: clinical testing. Allele origin: germline.
Comment: This sequence change replaces glutamine, which is neutral and polar, with arginine, which is basic and polar, at codon 140 of the SEPT9 protein (p.Gln140Arg). The frequency data for this variant in the population databases is considered unreliable, as metrics indicate poor data quality at this position in the gnomAD database. This variant has not been reported in the literature in individuals affected with SEPT9-related conditions. In summary, the available evidence is currently insufficient to determine the role of this variant in disease. Therefore, it has been classified as a Variant of Uncertain Significance. Advanced modeling of protein sequence and biophysical properties (such as structural, functional, and spatial information, amino acid conservation, physicochemical variation, residue mobility, and thermodynamic stability) performed at Invitae indicates that this missense variant is not expected to disrupt SEPT9 protein function.

NM_001113491.2(SEPTIN9):c.473A>G (p.Gln158Arg)

Gene: SEPTIN9 (septin 9; plus strand). Cytogenetic location: 17q25.3.
Variant type: single nucleotide variant.
Coding change: c.473A>G on transcript NM_001113491.2 (MANE Select); coding-DNA position 473, A replaced by G.
Protein change: p.Gln158Arg; replaces glutamine 158 with arginine.
Molecular consequence: missense variant. On other transcripts: 5 prime UTR variant (2).
Genome position (GRCh38, 1-based): chr17:77,402,455, A>G. VCF-style: chr17-77402455-A-G. GRCh37 (hg19) VCF-style: chr17-75398537-A-G.
Other names: c.-20A>G (NM_001113492.2, NM_001113494.1); c.452A>G, p.Gln151Arg (NM_001113493.2); c.416A>G, p.Gln139Arg (NM_001293695.2); c.419A>G, p.Gln140Arg (NM_006640.5); short protein forms Q151R, Q139R, Q140R, Q158R.
Identifiers: ClinVar variation 2723592 (VCV002723592.3), dbSNP rs376473706, ClinGen allele CA8793221.
Genomic context (GRCh38, chr17:77,402,455, plus strand): 5'-TGGGCCACAAGACGCCAGAACCGGCCCCTCGGAGGACGGAGATCACCATCGTCAAACCCC[A>G]GGAGTCAGCCCACCGGAGGATGGAGCCCCCTGCCTCCAAGGTCCCCGAGGTGCCCACTGC-3'
Protein context (NP_001106963.1, residues 148-168): RRTEITIVKP[Gln158Arg]ESAHRRMEPP